The following is an entry in ClinVar:

ClinVar aggregate classification (germline): Uncertain significance (1 of 4 stars; one submission).

Submission:

GeneDx
Classification: Uncertain significance. Last evaluated: 2025-05-29. Review status: criteria provided, single submitter. Criteria: GeneDx Variant Classification Process June 2021. Collection method: clinical testing. Allele origin: germline. Affected: yes.
Comment: Not observed at significant frequency in large population cohorts (gnomAD); Has not been previously published as pathogenic or benign to our knowledge; Nonsense variant predicted to result in protein truncation as the last 29 amino acids are lost with an unclear effect on protein function

NM_000829.4(GRIA4):c.2619del (p.Val873_Leu874insTer)

Gene: GRIA4 (glutamate ionotropic receptor AMPA type subunit 4; plus strand). Cytogenetic location: 11q22.3.
Variant type: Deletion.
Coding change: c.2619del on transcript NM_000829.4 (MANE Select); coding-DNA position 2619, one base deleted (C; older notation c.2619delC).
Protein change: p.Val873_Leu874insTer.
Molecular consequence: frameshift variant. On other transcripts: 3 prime UTR variant (4), non-coding transcript variant (1).
Genome position (GRCh38, 1-based): chr11:105,979,649, C deleted. VCF-style (leftmost placement, unchanged base first): chr11-105979648-TC-T. GRCh37 (hg19) VCF-style: chr11-105850375-TC-T.
Other names: c.2619del, p.Val873_Leu874insTer (NM_001440383.1, NM_001440384.1, NM_001440385.1 and 3 more transcripts); c.2598del, p.Val866_Leu867insTer (NM_001440388.1, NM_001440389.1, NM_001440390.1); c.*77del (NM_001440391.1, NM_001440392.1, NM_001440393.1 and 1 more transcripts); c.2412del, p.Val804_Leu805insTer (NM_001440394.1); c.2256del, p.Val752_Leu753insTer (NM_001440395.1, NM_001440396.1); c.1665del, p.Val555_Leu556insTer (NM_001440398.1); c.1368del, p.Val456_Leu457insTer (NM_001440399.1).
Identifiers: ClinVar variation 4532586 (VCV004532586.1).
Genomic context (GRCh38, chr11:105,979,648, plus strand): 5'-AAGCCATAAGAAACAAAGCCAGATTATCCATCACTGGGAGTGTGGGAGAGAATGGCCGCG[TC>T]TTGACGCCTGACTGCCCAAAGGCTGTACACACTGGAACTGCAATCAGACAAAGTTCAGGA-3'